The following is an entry in ClinVar:

ClinVar aggregate classification (germline): Uncertain significance (1 of 4 stars; one submission).

Conditions:
Myofibrillar myopathy 5. Also called: FILAMINOPATHY, AUTOSOMAL DOMINANT; Filaminopathy (type). Identifiers: Orphanet 171445, MedGen C1836050, MONDO:0012289, OMIM 609524.
Distal myopathy with posterior leg and anterior hand involvement. Also called: WILLIAMS DISTAL MYOPATHY. Identifiers: Orphanet 63273, MedGen C3279722, MONDO:0013550, OMIM 614065.
Hypertrophic cardiomyopathy 26. Also called: Cardiomyopathy, familial hypertrophic, 26. Identifiers: Orphanet 75249, MedGen C4310749, MONDO:0014883, OMIM 617047.

Submission:

Labcorp Genetics (formerly Invitae), Labcorp
Classification: Uncertain significance for Distal myopathy with posterior leg and anterior hand involvement; Myofibrillar myopathy 5; Hypertrophic cardiomyopathy 26. Last evaluated: 2019-09-16. Review status: criteria provided, single submitter. Criteria: Invitae Variant Classification Sherloc (09022015). Collection method: clinical testing. Allele origin: germline.
Comment: In summary, the available evidence is currently insufficient to determine the role of this variant in disease. Therefore, it has been classified as a Variant of Uncertain Significance. Algorithms developed to predict the effect of sequence changes on RNA splicing suggest that this variant may create or strengthen a splice site, but this prediction has not been confirmed by published transcriptional studies. This variant has not been reported in the literature in individuals with FLNC-related conditions. This variant is not present in population databases (ExAC no frequency). This sequence change falls in intron 45 of the FLNC gene. It does not directly change the encoded amino acid sequence of the FLNC protein, but it affects a nucleotide within the consensus splice site of the intron.

NM_001458.5(FLNC):c.7562-2_7581dup

Genes: FLNC-AS1 (FLNC antisense RNA 1; minus strand), FLNC (filamin C; plus strand). Cytogenetic location: 7q32.1.
Variant type: Duplication.
Coding change: c.7562-2_7581dup on transcript NM_001458.5 (MANE Select); the canonical splice acceptor site of the intron before coding-DNA position 7562 through coding-DNA position 7581, 22 bases duplicated (AGGTGTGTCATCAGAGTTCATC).
Molecular consequence: splice acceptor variant.
Genome position (GRCh38, 1-based): chr7:128,857,116-128,857,137, AGGTGTGTCATCAGAGTTCATC duplicated; duplicating any 22 consecutive bases within chr7:128,857,115-128,857,137 gives the same sequence; the c. name uses the placement nearest the transcript's 3' end. VCF-style (leftmost placement, unchanged base first): chr7-128857114-C-CCAGGTGTGTCATCAGAGTTCAT. GRCh37 (hg19) VCF-style: chr7-128497168-C-CCAGGTGTGTCATCAGAGTTCAT.
Other names: c.7463-2_7482dup (NM_001127487.2).
Identifiers: ClinVar variation 966714 (VCV000966714.8), dbSNP rs1809097279, ClinGen allele CA1139660242.